The following is an entry in ClinVar:

ClinVar aggregate classification (germline): Uncertain significance. Review status: criteria provided, multiple submitters, no conflicts (2 of 4 stars). 2 submissions from 2 submitters: Uncertain significance (2). Last evaluated 2025-01-31.

Conditions:
RYR1-related disorder. Also called: RYR1-related condition; RYR1-related disorders. Identifiers: MedGen CN239331.

gnomAD v4.1: 1 of 1,614,072 alleles (0.000062%); highest among the groups gnomAD compares: Middle Eastern, 0.016%; no homozygotes.

Submissions (2):

GeneDx
Classification: Uncertain significance. Last evaluated: 2025-01-31. Review status: criteria provided, single submitter. Criteria: GeneDx Variant Classification Process June 2021. Collection method: clinical testing. Allele origin: germline. Affected: yes.
Comment: Not observed at significant frequency in large population cohorts (gnomAD); In silico analysis supports that this missense variant has a deleterious effect on protein structure/function; Has not been previously published as pathogenic or benign to our knowledge

Labcorp Genetics (formerly Invitae), Labcorp
Classification: Uncertain significance for RYR1-related disorder. Last evaluated: 2024-08-28. Review status: criteria provided, single submitter. Criteria: Invitae Variant Classification Sherloc (09022015). Collection method: clinical testing. Allele origin: germline.
Comment: This sequence change replaces leucine, which is neutral and non-polar, with valine, which is neutral and non-polar, at codon 4163 of the RYR1 protein (p.Leu4163Val). This variant is not present in population databases (gnomAD no frequency). This variant has not been reported in the literature in individuals affected with RYR1-related conditions. Invitae Evidence Modeling of protein sequence and biophysical properties (such as structural, functional, and spatial information, amino acid conservation, physicochemical variation, residue mobility, and thermodynamic stability) indicates that this missense variant is expected to disrupt RYR1 protein function with a positive predictive value of 95%. In summary, the available evidence is currently insufficient to determine the role of this variant in disease. Therefore, it has been classified as a Variant of Uncertain Significance.

NM_000540.3(RYR1):c.12487C>G (p.Leu4163Val)

Gene: RYR1 (ryanodine receptor 1; plus strand). Cytogenetic location: 19q13.2.
Variant type: single nucleotide variant.
Coding change: c.12487C>G on transcript NM_000540.3 (MANE Select); coding-DNA position 12487, C replaced by G.
Protein change: p.Leu4163Val; replaces leucine 4163 with valine.
Molecular consequence: missense variant.
Genome position (GRCh38, 1-based): chr19:38,561,317, C>G. VCF-style: chr19-38561317-C-G. GRCh37 (hg19) VCF-style: chr19-39051957-C-G.
Other names: c.12472C>G, p.Leu4158Val (NM_001042723.2); short protein forms L4158V, L4163V.
Identifiers: ClinVar variation 3708743 (VCV003708743.3).